The following is an entry in ClinVar:

ClinVar aggregate classification (germline): Uncertain significance (1 of 4 stars; one submission).

Allele frequency attached by ClinVar (database versions not stated): gnomAD exomes below 0.00001 and 0.00001; gnomAD 0.00001 and 0.00002; TOPMed 0.00002.
gnomAD v4.1: 5 of 1,613,908 alleles (0.00031%); highest among the groups gnomAD compares: Non-Finnish European, 0.00042%; no homozygotes.

Submission:

Labcorp Genetics (formerly Invitae), Labcorp
Classification: Uncertain significance. Last evaluated: 2022-03-12. Review status: criteria provided, single submitter. Criteria: Invitae Variant Classification Sherloc (09022015). Collection method: clinical testing. Allele origin: germline.
Comment: In summary, the available evidence is currently insufficient to determine the role of this variant in disease. Therefore, it has been classified as a Variant of Uncertain Significance. Algorithms developed to predict the effect of missense changes on protein structure and function are either unavailable or do not agree on the potential impact of this missense change (SIFT: "Tolerated"; PolyPhen-2: "Probably Damaging"; Align-GVGD: "Class C0"). This variant has not been reported in the literature in individuals affected with TNFRSF9-related conditions. This variant is present in population databases (no rsID available, gnomAD 0.002%). This sequence change replaces glutamine, which is neutral and polar, with arginine, which is basic and polar, at codon 236 of the TNFRSF9 protein (p.Gln236Arg).

NM_001561.6(TNFRSF9):c.707A>G (p.Gln236Arg)

Gene: TNFRSF9 (TNF receptor superfamily member 9; minus strand). Cytogenetic location: 1p36.23.
Variant type: single nucleotide variant.
Coding change: c.707A>G on transcript NM_001561.6 (MANE Select); coding-DNA position 707, A replaced by G.
Protein change: p.Gln236Arg; replaces glutamine 236 with arginine.
Molecular consequence: missense variant.
Genome position (GRCh38, 1-based): chr1:7,920,896, T>C on the plus strand (A>G on the coding strand, the complement: TNFRSF9 is on the minus strand). VCF-style: chr1-7920896-T-C. GRCh37 (hg19) VCF-style: chr1-7980956-T-C.
Other names: short protein forms Q236R.
Identifiers: ClinVar variation 1467611 (VCV001467611.6), dbSNP rs1024785003, ClinGen allele CA17279047.